The following is an entry in ClinVar:

ClinVar aggregate classification (germline): Pathogenic. Review status: reviewed by expert panel (3 of 4 stars). 5 submissions from 5 submitters: Pathogenic (1). 4 of the submissions do not count toward it. Last evaluated 2016-09-08.

Conditions:
Hereditary cancer-predisposing syndrome. Also called: Hereditary Cancer Syndrome; Hereditary neoplastic syndrome; Neoplastic Syndromes, Hereditary; Tumor predisposition. Identifiers: Orphanet 140162, MedGen C0027672, MeSH D009386, MONDO:0015356.
Hereditary breast ovarian cancer syndrome. Also called: BRCA1- and BRCA2-Associated Hereditary Breast and Ovarian Cancer; Hereditary breast and ovarian cancer syndrome; Hereditary breast and ovarian cancer syndrome (HBOC); Breast and ovarian cancer; Hereditary breast and/or ovarian cancer syndrome; Hereditary breast and ovarian cancer. Identifiers: Orphanet 145, MedGen C0677776, MeSH D061325, MONDO:0003582. Disease mechanism: loss of function.
Breast-ovarian cancer, familial, susceptibility to, 1 (BROVCA1). Also called: BRCA1 Hereditary Breast and Ovarian Cancer; OVARIAN CANCER, SUSCEPTIBILITY TO. Identifiers: Orphanet 145, MedGen C2676676, MONDO:0011450, OMIM 604370. Disease mechanism: loss of function.

Submissions (5):

Evidence-based Network for the Interpretation of Germline Mutant Alleles (ENIGMA)
Classification: Pathogenic for Breast-ovarian cancer, familial, susceptibility to, 1. Last evaluated: 2016-09-08. Review status: reviewed by expert panel. Criteria: ENIGMA BRCA1/2 Classification Criteria (2015). Collection method: curation. Allele origin: germline.
Comment: Variant allele predicted to encode a truncated non-functional protein.

Labcorp Genetics (formerly Invitae), Labcorp
Classification: Pathogenic for Hereditary breast ovarian cancer syndrome. Last evaluated: 2025-10-16. Review status: criteria provided, single submitter. Criteria: Invitae Variant Classification Sherloc (09022015). Collection method: clinical testing. Allele origin: germline. Not counted in ClinVar's aggregate classification.
Comment: This sequence change creates a premature translational stop signal (p.Arg166Glufs*16) in the BRCA1 gene. It is expected to result in an absent or disrupted protein product. Loss-of-function variants in BRCA1 are known to be pathogenic (PMID: 20104584). This variant is not present in population databases (gnomAD no frequency). This premature translational stop signal has been observed in individual(s) with breast cancer (PMID: 11802209). This variant is also known as 613insT. ClinVar contains an entry for this variant (Variation ID: 55329). For these reasons, this variant has been classified as Pathogenic.

Ambry Genetics
Classification: Pathogenic for Hereditary cancer-predisposing syndrome. Last evaluated: 2023-12-07. Review status: criteria provided, single submitter. Criteria: Ambry Variant Classification Scheme 2023. Collection method: clinical testing. Allele origin: germline. Not counted in ClinVar's aggregate classification.
Comment: The c.494dupT pathogenic mutation, located in coding exon 6 of the BRCA1 gene, results from a duplication of T at nucleotide position 494, causing a translational frameshift with a predicted alternate stop codon (p.R166Efs*16). This mutation, designated 613insT, has been reported in a German breast cancer family (Meindl, A et al. Int J Cancer. 2002 Feb 1;97(4):472-80), and it has also been identified as a pathogenic mutation in six Caucasian families in the Consortium of Investigators of Modifiers of BRCA1/2 (CIMBA) database (Rebbeck TR et al. Hum. Mutat., 2018 May;39:593-620). In addition to the clinical data presented in the literature, this alteration is expected to result in loss of function by premature protein truncation or nonsense-mediated mRNA decay. As such, this alteration is interpreted as a disease-causing mutation.

Consortium of Investigators of Modifiers of BRCA1/2 (CIMBA), c/o University of Cambridge
Classification: Pathogenic for Breast-ovarian cancer, familial, susceptibility to, 1. Last evaluated: 2015-10-02. Review status: criteria provided, single submitter. Criteria: CIMBA Mutation Classification guidelines May 2016. Collection method: clinical testing. Allele origin: germline. Not counted in ClinVar's aggregate classification.

Breast Cancer Information Core (BIC) (BRCA1)
Classification: Pathogenic for Breast-ovarian cancer, familial 1. Last evaluated: 1997-11-14. Review status: no assertion criteria provided. Collection method: clinical testing. Allele origin: germline. Affected: yes. Observed: 2 variant alleles. Not counted in ClinVar's aggregate classification.

Literature cited by the submitters: PubMed 20104584 (cited by Labcorp Genetics (formerly Invitae), Labcorp); PubMed 11802209 (cited by Labcorp Genetics (formerly Invitae), Labcorp); PubMed 29446198 (cited by Ambry Genetics).

NM_007294.4(BRCA1):c.494dup (p.Arg166fs)

Gene: BRCA1 (BRCA1 DNA repair associated; minus strand). Cytogenetic location: 17q21.31.
Variant type: Duplication.
Coding change: c.494dup on transcript NM_007294.4 (MANE Select); coding-DNA position 494, one base duplicated (T; older notation c.494dupT).
Protein change: p.Arg166fs; shifts the reading frame from arginine 166.
Molecular consequence: frameshift variant. On other transcripts: non-coding transcript variant (1).
Genome position (GRCh38, 1-based): chr17:43,099,828, A duplicated on the plus strand (T on the coding strand, the reverse complement: BRCA1 is on the minus strand). VCF-style (leftmost placement, unchanged base first): chr17-43099827-C-CA. GRCh37 (hg19) VCF-style: chr17-41251844-C-CA.
Other names: 613insT; c.494dupT (NM_007294.3); c.494dup, p.Arg166Glufs (NM_001407639.1, NM_001407640.1, NM_001407641.1 and 95 more transcripts); c.491dup, p.Arg165Glufs (NM_001407644.1, NM_001407645.1, NM_001407649.1 and 65 more transcripts); c.485dup, p.Arg163Glufs (NM_001407646.1, NM_001407647.1, NM_001408408.1); c.416dup, p.Arg140Glufs (NM_001407653.1, NM_001407654.1, NM_001407655.1 and 12 more transcripts); c.413dup, p.Arg139Glufs (NM_001407659.1, NM_001407660.1, NM_001407661.1 and 6 more transcripts); c.353dup, p.Arg119Glufs (NM_001407692.1, NM_001407694.1, NM_001407695.1 and 60 more transcripts); and 8 more; short protein forms R119fs, R166fs.
Identifiers: ClinVar variation 55329 (VCV000055329.15), dbSNP rs80357762, ClinGen allele CA003096.
Genomic context (GRCh38, chr17:43,099,827, plus strand): 5'-ACCCTTACCCAATTCAATGTAGACAGACGTCTTTTGAGGTTGTATCCGCTGCTTTGTCCT[C>CA]AGAGTTCTCACAGTTCCAAGGTTAGAGAGTTGGACACTGAGACTGGTTTCCTGCTAAACA-3'